The following is an entry in ClinVar:

ClinVar aggregate classification (germline): Uncertain significance. Review status: criteria provided, multiple submitters, no conflicts (2 of 4 stars). 2 submissions from 2 submitters: Uncertain significance (2). Last evaluated 2023-12-10.

Conditions:
Capillary malformation-arteriovenous malformation syndrome. Also called: Capillary malformation-arteriovenous malformation. Identifiers: Orphanet 137667, MedGen C1842180, MONDO:0012016.
Cardiovascular phenotype. Identifiers: MedGen CN230736.

Allele frequency attached by ClinVar (database versions not stated): TOPMed below 0.00001; gnomAD 0.00002.
gnomAD v4.1: 3 of 1,604,226 alleles (0.00019%); highest among the groups gnomAD compares: Non-Finnish European, 0.00026%; no homozygotes.

Submissions (2):

Ambry Genetics
Classification: Uncertain significance for Cardiovascular phenotype. Last evaluated: 2023-12-10. Review status: criteria provided, single submitter. Criteria: Ambry Variant Classification Scheme 2023. Collection method: clinical testing. Allele origin: germline.
Comment: The p.H629L variant (also known as c.1886A>T), located in coding exon 14 of the RASA1 gene, results from an A to T substitution at nucleotide position 1886. The histidine at codon 629 is replaced by leucine, an amino acid with similar properties. This amino acid position is conserved. In addition, the in silico prediction for this alteration is inconclusive. Since supporting evidence is limited at this time, the clinical significance of this alteration remains unclear.

Labcorp Genetics (formerly Invitae), Labcorp
Classification: Uncertain significance for Capillary malformation-arteriovenous malformation syndrome. Last evaluated: 2023-04-05. Review status: criteria provided, single submitter. Criteria: Invitae Variant Classification Sherloc (09022015). Collection method: clinical testing. Allele origin: germline.
Comment: This sequence change replaces histidine, which is basic and polar, with leucine, which is neutral and non-polar, at codon 629 of the RASA1 protein (p.His629Leu). This variant is present in population databases (no rsID available, gnomAD 0.007%). This variant has not been reported in the literature in individuals affected with RASA1-related conditions. ClinVar contains an entry for this variant (Variation ID: 2145981). An algorithm developed to predict the effect of missense changes on protein structure and function (PolyPhen-2) suggests that this variant is likely to be disruptive. In summary, the available evidence is currently insufficient to determine the role of this variant in disease. Therefore, it has been classified as a Variant of Uncertain Significance.

NM_002890.3(RASA1):c.1886A>T (p.His629Leu)

Genes: CCNH (cyclin H; minus strand), RASA1 (RAS p21 protein activator 1; plus strand). Cytogenetic location: 5q14.3.
Variant type: single nucleotide variant.
Coding change: c.1886A>T on transcript NM_002890.3 (MANE Select); coding-DNA position 1886, A replaced by T.
Protein change: p.His629Leu; replaces histidine 629 with leucine.
Molecular consequence: missense variant. On other transcripts: intron variant (1).
Genome position (GRCh38, 1-based): chr5:87,374,272, A>T. VCF-style: chr5-87374272-A-T. GRCh37 (hg19) VCF-style: chr5-86670089-A-T.
Other names: c.1355A>T, p.His452Leu (NM_022650.3); c.933+20772T>A (NM_001364075.2); short protein forms H452L, H629L.
Identifiers: ClinVar variation 2145981 (VCV002145981.4), dbSNP rs1374522869, ClinGen allele CA360374884.
Genomic context (GRCh38, chr5:87,374,272, plus strand): 5'-AACATTTTACTAATCCATATTGTAACATCTACCTGAATAGTGTCCAAGTAGCAAAAACTC[A>T]TGCAAGGGAAGGGCAAAACCCAGTATGGTCAGAAGAGTTTGTCTTTGAGTAAGTCTTATT-3'
Protein context (NP_002881.1, residues 619-639): YLNSVQVAKT[His629Leu]AREGQNPVWS